The following is an entry in ClinVar:

NM_001127671.2(LIFR):c.*398C>G

Gene: LIFR (LIF receptor subunit alpha; minus strand). Cytogenetic location: 5p13.1.
Variant type: single nucleotide variant.
Coding change: c.*398C>G on transcript NM_001127671.2 (MANE Select); 398 bases downstream of the stop codon, C replaced by G.
Molecular consequence: 3 prime UTR variant.
Genome position (GRCh38, 1-based): chr5:38,481,197, G>C on the plus strand (C>G on the coding strand, the complement: LIFR is on the minus strand). VCF-style: chr5-38481197-G-C. GRCh37 (hg19) VCF-style: chr5-38481299-G-C.
Other names: c.*398C>G (NM_001364297.2, NM_001364298.2, NM_002310.6).
Identifiers: ClinVar variation 906390 (VCV000906390.4), dbSNP rs138772371, ClinGen allele CA117133630.

ClinVar aggregate classification (germline): Likely benign (1 of 4 stars; one submission).

Conditions:
Stuve-Wiedemann syndrome (STWS). Also called: Stüve-Wiedemann syndrome. Identifiers: Orphanet 3206, MedGen C0796176, MONDO:0031280.

Allele frequency attached by ClinVar (database versions not stated): gnomAD exomes 0.00033; gnomAD 0.00227 and 0.00240; TOPMed 0.00252; 1000 Genomes Project 0.00419; 1000 Genomes Project 30x 0.00500.
gnomAD v4.1: 395 of 282,068 alleles (0.14%); highest among the groups gnomAD compares: African/African-American, 0.76%; 2 homozygotes.

Submission:

Illumina Laboratory Services, Illumina
Classification: Likely benign for Stüve-Wiedemann syndrome 1. Last evaluated: 2018-01-13. Review status: criteria provided, single submitter. Criteria: ICSL Variant Classification Criteria 13 December 2019. Collection method: clinical testing. Allele origin: germline.
Comment: This variant was observed in the ICSL laboratory as part of a predisposition screen in an ostensibly healthy population. It had not been previously curated by ICSL or reported in the Human Gene Mutation Database (HGMD: prior to June 1st, 2018), and was therefore a candidate for classification through an automated scoring system. Utilizing variant allele frequency, disease prevalence and penetrance estimates, and inheritance mode, an automated score was calculated to assess if this variant is too frequent to cause the disease. Based on the score and internal cut-off values, a variant classified as likely benign is not then subjected to further curation. The score for this variant resulted in a classification of likely benign for this disease.